The following is an entry in ClinVar:

ClinVar aggregate classification (germline): Benign/Likely benign. Review status: criteria provided, multiple submitters, no conflicts (2 of 4 stars). 4 submissions from 4 submitters: Benign (1); Likely benign (3). Last evaluated 2025-01-15.

Conditions:
Familial cancer of breast. Also called: Hereditary breast cancer; BREAST CANCER, FAMILIAL; hereditary breast carcinoma. Identifiers: Orphanet 227535, MedGen C0346153, MONDO:0016419, OMIM 114480. Disease mechanism: loss of function.
PALB2-related disorder. Also called: PALB2-related condition; PALB2-related disorders.
Hereditary cancer-predisposing syndrome. Also called: Neoplastic Syndromes, Hereditary; Tumor predisposition; Hereditary neoplastic syndrome; Hereditary Cancer Syndrome. Identifiers: Orphanet 140162, MedGen C0027672, MeSH D009386, MONDO:0015356.

Allele frequency attached by ClinVar (database versions not stated): TOPMed 0.00002.
gnomAD v4.1: 2 of 1,613,938 alleles (0.00012%); highest among the groups gnomAD compares: African/African-American, 0.0027%; no homozygotes.

Submissions (4):

Myriad Genetics, Inc.
Classification: Benign for Familial cancer of breast. Last evaluated: 2025-01-15. Review status: criteria provided, single submitter. Criteria: Myriad Autosomal Dominant, Autosomal Recessive and X-Linked Classification Criteria (2023). Collection method: clinical testing. Allele origin: unknown.
Comment: This variant is considered benign. This variant is a silent/synonymous amino acid change and it is not expected to impact splicing.

PreventionGenetics, part of Exact Sciences
Classification: Likely benign for PALB2-related condition. Last evaluated: 2024-11-22. Review status: criteria provided, single submitter. Criteria: ACMG Guidelines, 2015. Collection method: clinical testing. Allele origin: germline.
Comment: This variant is classified as likely benign based on ACMG/AMP sequence variant interpretation guidelines (Richards et al. 2015 PMID: 25741868, with internal and published modifications).

Ambry Genetics
Classification: Likely benign for Hereditary cancer-predisposing syndrome. Last evaluated: 2018-04-20. Review status: criteria provided, single submitter. Criteria: Ambry Variant Classification Scheme 2023. Collection method: clinical testing. Allele origin: germline.

Color Diagnostics, LLC DBA Color Health
Classification: Likely benign for Hereditary cancer-predisposing syndrome. Last evaluated: 2018-03-24. Review status: criteria provided, single submitter. Criteria: ACMG Guidelines, 2015. Collection method: clinical testing. Allele origin: germline.

NM_024675.4(PALB2):c.2136G>C (p.Ala712=)

Gene: PALB2 (partner and localizer of BRCA2; minus strand). Cytogenetic location: 16p12.2.
Variant type: single nucleotide variant.
Coding change: c.2136G>C on transcript NM_024675.4 (MANE Select); coding-DNA position 2136, G replaced by C.
Protein change: p.Ala712=; no amino-acid change (alanine 712 retained).
Molecular consequence: synonymous variant.
Genome position (GRCh38, 1-based): chr16:23,630,018, C>G on the plus strand (G>C on the coding strand, the complement: PALB2 is on the minus strand). VCF-style: chr16-23630018-C-G. GRCh37 (hg19) VCF-style: chr16-23641339-C-G.
Identifiers: ClinVar variation 629935 (VCV000629935.8), dbSNP rs905951607, ClinGen allele CA279492671.